The following is an entry in ClinVar:

ClinVar aggregate classification (germline): Conflicting classifications of pathogenicity. Review status: criteria provided, conflicting classifications (1 of 4 stars). 5 submissions from 5 submitters: Likely pathogenic (3); Uncertain significance (1). 1 of the submissions does not count toward it. Last evaluated 2026-03-19.

Conditions:
Metachromatic leukodystrophy (MLD). Also called: Cerebral sclerosis diffuse metachromatic form; Arylsulfatase A Deficiency; CEREBROSIDE SULFATASE DEFICIENCY; METACHROMATIC LEUKOENCEPHALOPATHY; SULFATIDE LIPIDOSIS; ARSA DEFICIENCY. Identifiers: Orphanet 512, MedGen C0023522, MONDO:0018868, OMIM 250100.

Allele frequency attached by ClinVar (database versions not stated): gnomAD exomes 0.00001; gnomAD 0.00001.

Submissions (6):

Myriad Genetics, Inc.
Classification: Likely pathogenic for Metachromatic leukodystrophy. Last evaluated: 2026-03-19. Review status: criteria provided, single submitter. Criteria: Myriad Autosomal Dominant, Autosomal Recessive and X-Linked Classification Criteria (2023). Collection method: clinical testing. Allele origin: unknown.
Comment: NM_000487.5(ARSA):c.577C>A(P193T) is a missense variant classified as likely pathogenic in the context of metachromatic leukodystrophy. P193T has been observed in cases with relevant disease (PMID: 10381328, 32632536). Relevant functional assessments of this variant are available in the literature (PMID: 37480112). P193T has been observed in referenced population frequency databases. In summary, NM_000487.5(ARSA):c.577C>A(P193T) is a missense variant that has functional support for pathogenicity and has been observed more frequently in cases with the relevant disease than in healthy populations. Please note: this variant was assessed in the context of healthy population screening.

Women's Health and Genetics/Laboratory Corporation of America, LabCorp
Classification: Uncertain significance. Last evaluated: 2025-06-18. Review status: criteria provided, single submitter. Criteria: LabCorp Variant Classification Summary - May 2015. Collection method: clinical testing. Allele origin: germline.
Comment: Variant summary: ARSA c.577C>A (p.Pro193Thr) results in a non-conservative amino acid change located in the sulfatase, N-terminal domain (IPR000917) of the encoded protein sequence. Algorithms developed to predict the effect of missense changes on protein structure and function all suggest that this variant is likely to be disruptive. The variant allele was found at a frequency of 8e-06 in 249054 control chromosomes. The available data on variant occurrences in the general population are insufficient to allow any conclusion about variant significance. c.577C>A has been observed in individual(s) affected with Metachromatic Leukodystrophy(Qu_1999). These data do not allow any conclusion about variant significance. To our knowledge, no experimental evidence demonstrating an impact on protein function has been reported. This variant is also known as P191T. The following publications have been ascertained in the context of this evaluation (PMID: 32632536, 10381328). ClinVar contains an entry for this variant (Variation ID: 68142). Based on the evidence outlined above, the variant was classified as uncertain significance.

Labcorp Genetics (formerly Invitae), Labcorp
Classification: Likely pathogenic for Metachromatic leukodystrophy. Last evaluated: 2025-01-17. Review status: criteria provided, single submitter. Criteria: Invitae Variant Classification Sherloc (09022015). Collection method: clinical testing. Allele origin: germline.
Comment: This sequence change replaces proline, which is neutral and non-polar, with threonine, which is neutral and polar, at codon 193 of the ARSA protein (p.Pro193Thr). This variant is present in population databases (rs199476374, gnomAD 0.002%). This missense change has been observed in individual(s) with metachromatic leukodystophy (PMID: 10381328). In at least one individual the data is consistent with being in trans (on the opposite chromosome) from a pathogenic variant. This variant is also known as g.834C>A P191T. ClinVar contains an entry for this variant (Variation ID: 68142). Invitae Evidence Modeling of protein sequence and biophysical properties (such as structural, functional, and spatial information, amino acid conservation, physicochemical variation, residue mobility, and thermodynamic stability) indicates that this missense variant is expected to disrupt ARSA protein function with a positive predictive value of 95%. This variant disrupts the p.Pro193 amino acid residue in ARSA. Other variant(s) that disrupt this residue have been observed in individuals with ARSA-related conditions (PMID: 33185815), which suggests that this may be a clinically significant amino acid residue. In summary, the currently available evidence indicates that the variant is pathogenic, but additional data are needed to prove that conclusively. Therefore, this variant has been classified as Likely Pathogenic.

Natera, Inc.
Classification: Likely pathogenic for Metachromatic leukodystrophy. Last evaluated: 2024-07-10. Review status: criteria provided, single submitter. Criteria: Natera Variant Classification Schema (03/2026). Collection method: clinical testing. Allele origin: germline.
Comment: The c.577C>A variant in ARSA is a missense variant predicted to cause substitution of proline to threonine at amino acid 193. This variant is rare in the general population with a frequency below the threshold expected for the associated phenotype(s). This variant has been observed in one or more individuals affected with the associated recessive disease, as either homozygous or compound heterozygous with a second variant (PMID: 32632536). Computational prediction algorithms indicate this variant is likely to affect gene or protein function. Given the available evidence, this variant is classified as Likely Pathogenic.

Gelb Laboratory, University of Washington
No classification provided (evidence only). Condition: Metachromatic leukodystrophy. Review status: no classification provided. Collection method: in vitro. Allele origin: not applicable. Functional consequence: loss of function. Not counted in ClinVar's aggregate classification.

UniProtKB/Swiss-Prot
No classification provided. Review status: no classification provided. Collection method: not provided. Allele origin: not provided. Not counted in ClinVar's aggregate classification.

Literature cited by the submitters: PubMed 10381328 (cited by 3 submitters); PubMed 32632536 (cited by 3 submitters); PubMed 37480112 (cited by Myriad Genetics, Inc.); PubMed 33185815 (cited by Labcorp Genetics (formerly Invitae), Labcorp).

NM_000487.6(ARSA):c.577C>A (p.Pro193Thr)

Gene: ARSA (arylsulfatase A; minus strand). Cytogenetic location: 22q13.33.
Variant type: single nucleotide variant.
Coding change: c.577C>A on transcript NM_000487.6 (MANE Select); coding-DNA position 577, C replaced by A.
Protein change: p.Pro193Thr; replaces proline 193 with threonine.
Molecular consequence: missense variant.
Genome position (GRCh38, 1-based): chr22:50,626,941, G>T on the plus strand (C>A on the coding strand, the complement: ARSA is on the minus strand). VCF-style: chr22-50626941-G-T. GRCh37 (hg19) VCF-style: chr22-51065369-G-T.
Other names: c.577C>A, p.Pro193Thr (NM_001085425.3, NM_001085426.3, NM_001085427.3); c.319C>A, p.Pro107Thr (NM_001085428.3, NM_001362782.2); short protein forms P193T, P107T.
Identifiers: ClinVar variation 68142 (VCV000068142.10), dbSNP rs199476374, ClinGen allele CA219040.
Genomic context (GRCh38, chr22:50,626,941, plus strand): 5'-CGGCCATGAGGTCATGGGCGAAAGCCATGTAGCGGGCCTCTAGTCCGGGCAGCCAGGGGG[G>T]CTGCGCCTCCACGGACAGGTTGGCCAACAGTGGGATGGGGACCAGGCCCTGGTCACAGCC-3'
Protein context (NP_000478.3, residues 183-203): LLANLSVEAQ[Pro193Thr]PWLPGLEARY